The following is an entry in ClinVar:

NM_001164508.2(NEB):c.14094C>T (p.Ser4698=)

Gene: NEB (nebulin; minus strand). Cytogenetic location: 2q23.3.
Variant type: single nucleotide variant.
Coding change: c.14094C>T on transcript NM_001164508.2 (MANE Select); coding-DNA position 14094, C replaced by T.
Protein change: p.Ser4698=; no amino-acid change (serine 4698 retained).
Molecular consequence: synonymous variant. On other transcripts: intron variant (1).
Genome position (GRCh38, 1-based): chr2:151,596,961, G>A on the plus strand (C>T on the coding strand, the complement: NEB is on the minus strand). VCF-style: chr2-151596961-G-A. GRCh37 (hg19) VCF-style: chr2-152453475-G-A.
Other names: c.14094C>T, p.Ser4698= (NM_001164507.2, NM_001271208.2); c.11601+12848C>T (NM_004543.5).
Identifiers: ClinVar variation 669209 (VCV000669209.1), dbSNP rs1578796157, ClinGen allele CA429228954.
Genomic context (GRCh38, chr2:151,596,961, plus strand): 5'-ATGAGCAGACAGATATTGCCCATAAAGGCTTTTACACTTCATGTTCGTGCCACTTACATT[G>A]CTGATTTGCAAGGCATTGATGTGGGCCTGCAGCATCTCCGGAGTATCAGAAGGAATGGTG-3'
Protein context (NP_001157980.2, residues 4688-4708): LQAHINALQI[Ser4698=]NKLYQKDWND

ClinVar aggregate classification (germline): Likely benign (1 of 4 stars; one submission).

Submission:

GeneDx
Classification: Likely benign. Last evaluated: 2018-06-05. Review status: criteria provided, single submitter. Criteria: GeneDx Variant Classification (06012015). Collection method: clinical testing. Allele origin: germline. Affected: yes.
Comment: This variant is considered likely benign or benign based on one or more of the following criteria: it is a conservative change, it occurs at a poorly conserved position in the protein, it is predicted to be benign by multiple in silico algorithms, and/or has population frequency not consistent with disease.